The following is an entry in ClinVar:

NM_001387430.1(SH2B1):c.1477C>T (p.Pro493Ser)

Gene: SH2B1 (SH2B adaptor protein 1; plus strand). Cytogenetic location: 16p11.2.
Variant type: single nucleotide variant.
Coding change: c.1477C>T on transcript NM_001387430.1 (MANE Select); coding-DNA position 1477, C replaced by T.
Protein change: p.Pro493Ser; replaces proline 493 with serine.
Molecular consequence: missense variant.
Genome position (GRCh38, 1-based): chr16:28,871,947, C>T. VCF-style: chr16-28871947-C-T. GRCh37 (hg19) VCF-style: chr16-28883268-C-T.
Other names: c.1477C>T, p.Pro493Ser (NM_001145795.2, NM_001145796.2, NM_001145797.2 and 4 more transcripts); c.469C>T, p.Pro157Ser (NM_001308294.2); short protein forms P157S, P493S.
Identifiers: ClinVar variation 3358831 (VCV003358831.2).

ClinVar aggregate classification (germline): Uncertain significance (1 of 4 stars; one submission).

Conditions:
SH2B1-related disorder. Also called: SH2B1-related condition.

gnomAD v4.1: 69 of 1,609,466 alleles (0.0043%); highest among the groups gnomAD compares: Non-Finnish European, 0.0054%; no homozygotes.

Submission:

PreventionGenetics, part of Exact Sciences
Classification: Uncertain significance for SH2B1-related condition. Last evaluated: 2026-04-16. Review status: criteria provided, single submitter. Criteria: ACMG Guidelines, 2015. Collection method: clinical testing. Allele origin: germline.
Comment: The SH2B1 c.1477C>T variant is predicted to result in the amino acid substitution p.Pro493Ser. To our knowledge, this variant has not been reported in the literature. This variant is reported in 0.0040% of alleles in individuals of African descent in gnomAD. At this time, the clinical significance of this variant is uncertain due to the absence of conclusive functional and genetic evidence.